The following is an entry in ClinVar:

NM_018303.6(EXOC2):c.1205T>G (p.Leu402Arg)

Gene: EXOC2 (exocyst complex component 2; minus strand). Cytogenetic location: 6p25.3.
Variant type: single nucleotide variant.
Coding change: c.1205T>G on transcript NM_018303.6 (MANE Select); coding-DNA position 1205, T replaced by G.
Protein change: p.Leu402Arg; replaces leucine 402 with arginine.
Molecular consequence: missense variant. On other transcripts: non-coding transcript variant (1).
Genome position (GRCh38, 1-based): chr6:576,870, A>C on the plus strand (T>G on the coding strand, the complement: EXOC2 is on the minus strand). VCF-style: chr6-576870-A-C. GRCh37 (hg19) VCF-style: chr6-576870-A-C.
Other names: short protein forms L402R.
Identifiers: ClinVar variation 3765797 (VCV003765797.1).

ClinVar aggregate classification (germline): Uncertain significance (1 of 4 stars; one submission).

Submission:

Greenwood Genetic Center Diagnostic Laboratories, Greenwood Genetic Center
Classification: Uncertain significance. Last evaluated: 2024-12-02. Review status: criteria provided, single submitter. Criteria: ACMG Guidelines, 2015. Collection method: clinical testing. Allele origin: germline. Affected: yes.
Comment: Gene of Uncertain Significance